The following is an entry in ClinVar:

ClinVar aggregate classification (germline): Uncertain significance (1 of 4 stars; one submission).

Submission:

Ambry Genetics
Classification: Uncertain significance. Last evaluated: 2023-02-28. Review status: criteria provided, single submitter. Criteria: Ambry Variant Classification Scheme 2023. Collection method: clinical testing. Allele origin: germline.
Comment: The p.S1719Y variant (also known as c.5156C>A), located in coding exon 16 of the POLQ gene, results from a C to A substitution at nucleotide position 5156. The serine at codon 1719 is replaced by tyrosine, an amino acid with dissimilar properties. This amino acid position is conserved. In addition, this alteration is predicted to be tolerated by in silico analysis. Since supporting evidence is limited at this time, the clinical significance of this alteration remains unclear.

NM_199420.4(POLQ):c.5156C>A (p.Ser1719Tyr)

Gene: POLQ (DNA polymerase theta; minus strand). Cytogenetic location: 3q13.33.
Variant type: single nucleotide variant.
Coding change: c.5156C>A on transcript NM_199420.4 (MANE Select); coding-DNA position 5156, C replaced by A.
Protein change: p.Ser1719Tyr; replaces serine 1719 with tyrosine.
Molecular consequence: missense variant.
Genome position (GRCh38, 1-based): chr3:121,487,775, G>T on the plus strand (C>A on the coding strand, the complement: POLQ is on the minus strand). VCF-style: chr3-121487775-G-T. GRCh37 (hg19) VCF-style: chr3-121206622-G-T.
Other names: short protein forms S1719Y.
Identifiers: ClinVar variation 2497215 (VCV002497215.2), dbSNP rs2546785058, ClinGen allele CA354091755.